The following is an entry in ClinVar:

ClinVar aggregate classification (germline): Uncertain significance. Review status: criteria provided, multiple submitters, no conflicts (2 of 4 stars). 2 submissions from 2 submitters: Uncertain significance (2). Last evaluated 2025-04-20.

Conditions:
Inborn genetic diseases. Identifiers: MedGen C0950123, MeSH D030342.

Allele frequency attached by ClinVar (database versions not stated): ExAC 0.00001; gnomAD exomes 0.00002; TOPMed 0.00002.
gnomAD v4.1: 29 of 1,614,240 alleles (0.0018%); highest among the groups gnomAD compares: Non-Finnish European, 0.0024%; no homozygotes.

Submissions (2):

Ambry Genetics
Classification: Uncertain significance for Inborn genetic diseases. Last evaluated: 2025-04-20. Review status: criteria provided, single submitter. Criteria: Ambry Variant Classification Scheme 2023. Collection method: clinical testing. Allele origin: germline.

Labcorp Genetics (formerly Invitae), Labcorp
Classification: Uncertain significance. Last evaluated: 2024-09-30. Review status: criteria provided, single submitter. Criteria: Invitae Variant Classification Sherloc (09022015). Collection method: clinical testing. Allele origin: germline.
Comment: This sequence change replaces lysine, which is basic and polar, with arginine, which is basic and polar, at codon 475 of the PPP2R1A protein (p.Lys475Arg). This variant is present in population databases (rs760153767, gnomAD 0.0009%). This variant has not been reported in the literature in individuals affected with PPP2R1A-related conditions. Invitae Evidence Modeling of protein sequence and biophysical properties (such as structural, functional, and spatial information, amino acid conservation, physicochemical variation, residue mobility, and thermodynamic stability) indicates that this missense variant is not expected to disrupt PPP2R1A protein function with a negative predictive value of 80%. In summary, the available evidence is currently insufficient to determine the role of this variant in disease. Therefore, it has been classified as a Variant of Uncertain Significance.

NM_014225.6(PPP2R1A):c.1424A>G (p.Lys475Arg)

Gene: PPP2R1A (protein phosphatase 2 scaffold subunit Aalpha; plus strand). Cytogenetic location: 19q13.41.
Variant type: single nucleotide variant.
Coding change: c.1424A>G on transcript NM_014225.6 (MANE Select); coding-DNA position 1424, A replaced by G.
Protein change: p.Lys475Arg; replaces lysine 475 with arginine.
Molecular consequence: missense variant. On other transcripts: non-coding transcript variant (1).
Genome position (GRCh38, 1-based): chr19:52,221,039, A>G. VCF-style: chr19-52221039-A-G. GRCh37 (hg19) VCF-style: chr19-52724292-A-G.
Other names: c.887A>G, p.Lys296Arg (NM_001363656.2); c.1424A>G (NM_014225.5); short protein forms K475R, K296R.
Identifiers: ClinVar variation 2868196 (VCV002868196.4), dbSNP rs760153767, ClinGen allele CA9621596.